The following is an entry in ClinVar:

ClinVar aggregate classification (germline): Uncertain significance. Review status: criteria provided, multiple submitters, no conflicts (2 of 4 stars). 2 submissions from 2 submitters: Uncertain significance (2). Last evaluated 2025-02-12.

Conditions:
Familial hemiplegic migraine. Identifiers: MedGen C0338484, MONDO:0000700.

Allele frequency attached by ClinVar (database versions not stated): gnomAD exomes below 0.00001.
gnomAD v4.1: 1 of 1,614,176 alleles (0.000062%); highest among the groups gnomAD compares: Non-Finnish European, 0.000085%; no homozygotes.

Submissions (2):

GeneDx
Classification: Uncertain significance. Last evaluated: 2025-02-12. Review status: criteria provided, single submitter. Criteria: GeneDx Variant Classification Process June 2021. Collection method: clinical testing. Allele origin: germline. Affected: yes.
Comment: Not observed at significant frequency in large population cohorts (gnomAD); In silico analysis supports that this missense variant has a deleterious effect on protein structure/function; Has not been previously published as pathogenic or benign to our knowledge

Labcorp Genetics (formerly Invitae), Labcorp
Classification: Uncertain significance for Familial hemiplegic migraine. Last evaluated: 2022-08-22. Review status: criteria provided, single submitter. Criteria: Invitae Variant Classification Sherloc (09022015). Collection method: clinical testing. Allele origin: germline.
Comment: Advanced modeling of protein sequence and biophysical properties (such as structural, functional, and spatial information, amino acid conservation, physicochemical variation, residue mobility, and thermodynamic stability) performed at Invitae indicates that this missense variant is expected to disrupt ATP1A2 protein function. This variant has not been reported in the literature in individuals affected with ATP1A2-related conditions. This variant is present in population databases (no rsID available, gnomAD 0.0009%). This sequence change replaces arginine, which is basic and polar, with lysine, which is basic and polar, at codon 469 of the ATP1A2 protein (p.Arg469Lys). In summary, the available evidence is currently insufficient to determine the role of this variant in disease. Therefore, it has been classified as a Variant of Uncertain Significance.

NM_000702.4(ATP1A2):c.1406G>A (p.Arg469Lys)

Gene: ATP1A2 (ATPase Na+/K+ transporting subunit alpha 2; plus strand). Cytogenetic location: 1q23.2.
Variant type: single nucleotide variant.
Coding change: c.1406G>A on transcript NM_000702.4 (MANE Select); coding-DNA position 1406, G replaced by A.
Protein change: p.Arg469Lys; replaces arginine 469 with lysine.
Molecular consequence: missense variant.
Genome position (GRCh38, 1-based): chr1:160,129,345, G>A. VCF-style: chr1-160129345-G-A. GRCh37 (hg19) VCF-style: chr1-160099135-G-A.
Other names: short protein forms R469K.
Identifiers: ClinVar variation 2001514 (VCV002001514.5), dbSNP rs1302374455, ClinGen allele CA343242105.